The following is an entry in ClinVar:

ClinVar aggregate classification (germline): Uncertain significance (0 of 4 stars; one submission).

Conditions:
alpha Thalassemia. Also called: Alpha thalassemia spectrum. Identifiers: Orphanet 846, MedGen C0002312, MONDO:0011399, OMIM 604131.

Submission:

Medical Laboratory, Xindu District People's Hospital of Chengdu
Classification: Uncertain significance for alpha Thalassemia. Last evaluated: 2026-07-31. Review status: no assertion criteria provided. Collection method: clinical testing. Allele origin: germline. Inheritance: Autosomal recessive inheritance.
Comment: The HBA1 c.372C>A variant (codon 123 GCC>GCA) is a synonymous substitution identified in a heterozygous state. This variant has not been reported in the literature or in large population databases such as gnomAD, suggesting it is either extremely rare or novel. In silico splicing prediction tools (SpliceAI, MaxEntScan) do not predict any alteration of pre‑mRNA splicing, and the nucleotide change is not located at canonical splice donor/acceptor sites. No functional studies or family segregation analyses are available for this specific change. In the absence of any established evidence for pathogenicity or benign effect, and given that synonymous variants in HBA1 are not a recognized cause of alpha‑thalassemia unless they affect splicing, we classify this variant as Variant of Uncertain Significance (VUS) according to the ACMG/AMP 2015 guidelines (PMID: 25741868).

NM_000558.5(HBA1):c.372C>A (p.Ala124=)

Genes: HBA1 (hemoglobin subunit alpha 1; plus strand), LOC106804613 (hemoglobin subunit alpha 1 recombination region; plus strand). Cytogenetic location: 16p13.3.
Variant type: single nucleotide variant.
Coding change: c.372C>A on transcript NM_000558.5 (MANE Select); coding-DNA position 372, C replaced by A.
Protein change: p.Ala124=; no amino-acid change (alanine 124 retained).
Molecular consequence: synonymous variant.
Genome position (GRCh38, 1-based): chr16:177,354, C>A. VCF-style: chr16-177354-C-A. GRCh37 (hg19) VCF-style: chr16-227353-C-A.
Identifiers: ClinVar variation 4880282 (VCV004880282.1).
Genomic context (GRCh38, chr16:177,354, plus strand): 5'-CTGCCTGCTGGTGACCCTGGCCGCCCACCTCCCCGCCGAGTTCACCCCTGCGGTGCACGC[C>A]TCCCTGGACAAGTTCCTGGCTTCTGTGAGCACCGTGCTGACCTCCAAATACCGTTAAGCT-3'
Protein context (NP_000549.1, residues 114-134): LPAEFTPAVH[Ala124=]SLDKFLASVS